The following is an entry in ClinVar:

ClinVar aggregate classification (germline): Uncertain significance (1 of 4 stars; one submission).

Submission:

Labcorp Genetics (formerly Invitae), Labcorp
Classification: Uncertain significance. Last evaluated: 2023-08-04. Review status: criteria provided, single submitter. Criteria: Invitae Variant Classification Sherloc (09022015). Collection method: clinical testing. Allele origin: germline.
Comment: ClinVar contains an entry for this variant (Variation ID: 1928195). In summary, the available evidence is currently insufficient to determine the role of this variant in disease. Therefore, it has been classified as a Variant of Uncertain Significance. This variant has not been reported in the literature in individuals affected with TRAP1-related conditions. This sequence change disrupts the translational stop signal of the TRAP1 mRNA. It is expected to extend the length of the TRAP1 protein by 11 additional amino acid residues. This variant is present in population databases (no rsID available, gnomAD 0.009%).

NM_016292.3(TRAP1):c.2101_*5del (p.Leu701fs)

Genes: DNASE1 (deoxyribonuclease 1; plus strand), TRAP1 (TNF receptor associated protein 1; minus strand). Cytogenetic location: 16p13.3.
Variant type: Deletion.
Coding change: c.2101_*5del on transcript NM_016292.3 (MANE Select); coding-DNA position 2101 through 5 bases downstream of the stop codon, 20 bases deleted (CTGGAGCGACACTGACAGCC).
Protein change: p.Leu701fs; shifts the reading frame from leucine 701.
Molecular consequence: frameshift variant. On other transcripts: intron variant (1).
Genome position (GRCh38, 1-based): chr16:3,658,124-3,658,143, GGCTGTCAGTGTCGCTCCAG deleted on the plus strand (CTGGAGCGACACTGACAGCC on the coding strand, the reverse complement: TRAP1 is on the minus strand); deleting any 20 consecutive bases within chr16:3,658,124-3,658,146 gives the same sequence; the c. name uses the placement nearest the transcript's 3' end. VCF-style (leftmost placement, unchanged base first): chr16-3658123-TGGCTGTCAGTGTCGCTCCAG-T. GRCh37 (hg19) VCF-style: chr16-3708124-TGGCTGTCAGTGTCGCTCCAG-T.
Other names: c.1942_*5del, p.Leu648fs (NM_001272049.2); c.*21+260_*21+279del (NM_001387140.1); short protein forms L648fs, L701fs.
Identifiers: ClinVar variation 1928195 (VCV001928195.4), dbSNP rs1380987022, ClinGen allele CA620453097.